The following is an entry in ClinVar:

NM_022893.4(BCL11A):c.1467G>C (p.Glu489Asp)

Gene: BCL11A (BCL11 transcription factor A; minus strand). Cytogenetic location: 2p16.1.
Variant type: single nucleotide variant.
Coding change: c.1467G>C on transcript NM_022893.4 (MANE Select); coding-DNA position 1467, G replaced by C.
Protein change: p.Glu489Asp; replaces glutamic acid 489 with aspartic acid.
Molecular consequence: missense variant. On other transcripts: intron variant (6).
Genome position (GRCh38, 1-based): chr2:60,461,445, C>G on the plus strand (G>C on the coding strand, the complement: BCL11A is on the minus strand). VCF-style: chr2-60461445-C-G. GRCh37 (hg19) VCF-style: chr2-60688580-C-G.
Other names: c.1011G>C, p.Glu337Asp (NM_001405726.1, NM_001405727.1, NM_001405728.1 and 1 more transcripts); c.774G>C, p.Glu258Asp (NM_001405729.1); c.930G>C, p.Glu310Asp (NM_001405730.1); c.474G>C, p.Glu158Asp (NM_001405731.1); c.1467G>C, p.Glu489Asp (NM_018014.4, NM_001405708.1, NM_001405709.1 and 1 more transcripts); c.630+837G>C (NM_138559.2, NM_001405732.1); c.528+837G>C (NM_001405733.1); c.1365G>C, p.Glu455Asp (NM_001363864.1, NM_001365609.1, NM_001405711.1 and 2 more transcripts); and 5 more; short protein forms E158D, E258D, E310D, E337D, E378D, E403D, E437D, E455D.
Identifiers: ClinVar variation 2650964 (VCV002650964.24), dbSNP rs141406273, ClinGen allele CA1671102.
Genomic context (GRCh38, chr2:60,461,445, plus strand): 5'-CTCGCTCTCCGTCAGCTCCTCCTCCTCCTCTTCCTCCTCTTCTTCCTCTTCCTCGTCGTC[C>G]TCCTCTTCCTCCTCGTCCCCGTTCTCCGGGATCAGGTTGGGGTCGTTCTCGCTCTTGAAC-3'
Protein context (NP_075044.2, residues 479-499): IPENGDEEEE[Glu489Asp]DDEEEEEEEE

ClinVar aggregate classification (germline): Benign (1 of 4 stars; one submission).

gnomAD v4.1: 63 of 1,603,620 alleles (0.0039%); highest among the groups gnomAD compares: East Asian, 0.1%; no homozygotes.

Submission:

CeGaT Center for Human Genetics Tuebingen
Classification: Benign. Last evaluated: 2023-01-01. Review status: criteria provided, single submitter. Criteria: CeGaT Center For Human Genetics Tuebingen Variant Classification Criteria Version 2. Collection method: clinical testing. Allele origin: germline. Affected: yes. Observed: 1 variant allele.
Comment: BCL11A: PP2, BS1, BS2